The following is an entry in ClinVar:

NM_020922.5(WNK3):c.322C>G (p.Gln108Glu)

Gene: WNK3 (WNK lysine deficient protein kinase 3; minus strand). Cytogenetic location: Xp11.22.
Variant type: single nucleotide variant.
Coding change: c.322C>G on transcript NM_020922.5 (MANE Select); coding-DNA position 322, C replaced by G.
Protein change: p.Gln108Glu; replaces glutamine 108 with glutamic acid.
Molecular consequence: missense variant.
Genome position (GRCh38, 1-based): chrX:54,333,352, G>C on the plus strand (C>G on the coding strand, the complement: WNK3 is on the minus strand). VCF-style: chrX-54333352-G-C. GRCh37 (hg19) VCF-style: chrX-54359785-G-C.
Other names: c.322C>G, p.Gln108Glu (NM_001002838.4, NM_001395166.1); short protein forms Q108E.
Identifiers: ClinVar variation 4882308 (VCV004882308.2).

ClinVar aggregate classification (germline): Uncertain significance (1 of 4 stars; one submission).

Conditions:
Prieto syndrome. Also called: MENTAL RETARDATION, X-LINKED, SYNDROMIC 2. Identifiers: Orphanet 2958, MedGen C1839730, MONDO:0010667, OMIM 309610.

Submission:

Dasa
Classification: Uncertain significance for Prieto syndrome. Last evaluated: 2026-02-25. Review status: criteria provided, single submitter. Criteria: DASA Assertion Criteria. Collection method: clinical testing. Allele origin: germline.
Comment: NM_020922.5(WNK3):c.322C>G (p.Gln108Glu) is a missense variant that results in the substitution of glutamine with glutamic acid. This variant is rare in population databases. Computational prediction algorithms are consistent with a benign effect. The currently available literature and clinical evidence are not sufficient to establish a definitive association between this variant and the reported condition. Therefore, this variant is classified as a variant of uncertain significance.